The following is an entry in ClinVar:

NM_000232.5(SGCB):c.26C>T (p.Ala9Val)

Genes: SGCB (sarcoglycan beta; minus strand), LOC129992585 (ATAC-STARR-seq lymphoblastoid silent region 15421; plus strand). Cytogenetic location: 4q12.
Variant type: single nucleotide variant.
Coding change: c.26C>T on transcript NM_000232.5 (MANE Select); coding-DNA position 26, C replaced by T.
Protein change: p.Ala9Val; replaces alanine 9 with valine.
Molecular consequence: missense variant.
Genome position (GRCh38, 1-based): chr4:52,038,234, G>A on the plus strand (C>T on the coding strand, the complement: SGCB is on the minus strand). VCF-style: chr4-52038234-G-A. GRCh37 (hg19) VCF-style: chr4-52904400-G-A.
Other names: short protein forms A9V.
Identifiers: ClinVar variation 1923728 (VCV001923728.5), dbSNP rs2475237360, ClinGen allele CA356878681.

ClinVar aggregate classification (germline): Uncertain significance (1 of 4 stars; one submission).

Conditions:
Autosomal recessive limb-girdle muscular dystrophy type 2E (LGMDR4). Also called: MUSCULAR DYSTROPHY, LIMB-GIRDLE, AUTOSOMAL RECESSIVE 4. Identifiers: Orphanet 119, MedGen C1858593, MONDO:0011423, OMIM 604286. Disease mechanism: Affects gamma-sarcoglycan and also disrupts the integrity of the entire sarcoglycan complex..

Allele frequency attached by ClinVar (database versions not stated): gnomAD exomes below 0.00001.
gnomAD v4.1: 4 of 1,286,920 alleles (0.00031%); highest among the groups gnomAD compares: Non-Finnish European, 0.0003%; no homozygotes.

Submission:

Labcorp Genetics (formerly Invitae), Labcorp
Classification: Uncertain significance for Autosomal recessive limb-girdle muscular dystrophy type 2E. Last evaluated: 2022-07-29. Review status: criteria provided, single submitter. Criteria: Invitae Variant Classification Sherloc (09022015). Collection method: clinical testing. Allele origin: germline.
Comment: Algorithms developed to predict the effect of missense changes on protein structure and function are either unavailable or do not agree on the potential impact of this missense change (SIFT: "Tolerated"; PolyPhen-2: "Not Available"; Align-GVGD: "Class C0"). This sequence change replaces alanine, which is neutral and non-polar, with valine, which is neutral and non-polar, at codon 9 of the SGCB protein (p.Ala9Val). This variant is not present in population databases (gnomAD no frequency). This variant has not been reported in the literature in individuals affected with SGCB-related conditions. In summary, the available evidence is currently insufficient to determine the role of this variant in disease. Therefore, it has been classified as a Variant of Uncertain Significance.